The following is an entry in ClinVar:

ClinVar aggregate classification (germline): Pathogenic/Likely pathogenic. Review status: criteria provided, multiple submitters, no conflicts (2 of 4 stars). 4 submissions from 4 submitters: Pathogenic (2); Likely pathogenic (2). Last evaluated 2026-01-20.

Conditions:
Hemoglobin H disease (HBH). Also called: Hemoglobin H (HbH) Disease; ALPHA-THALASSEMIA, HEMOGLOBIN H TYPE; HEMOGLOBIN H DISEASE, DELETIONAL. Identifiers: Orphanet 93616, MedGen C3161174, MONDO:0013512, OMIM 613978. Disease mechanism: loss of function.
Erythrocytosis, familial, 7. Also called: ERYTHROCYTOSIS, ALPHA-GLOBIN TYPE; POLYCYTHEMIA, ALPHA-GLOBIN TYPE; ERYTHROCYTOSIS 7. Identifiers: MedGen C4693823, MONDO:0054802, OMIM 617981.
Heinz body anemia. Also called: Heinz body hemolytic anemia. Identifiers: Orphanet 178330, MedGen C0700299, MONDO:0007705, OMIM 140700, HP:0005511.
alpha Thalassemia. Also called: Alpha thalassemia spectrum. Identifiers: Orphanet 846, MedGen C0002312, MONDO:0011399, OMIM 604131.
Methemoglobinemia, alpha type. Identifiers: MedGen C4693798, MONDO:0020835, OMIM 617973.

Submissions (4):

Natera, Inc.
Classification: Likely pathogenic for Alpha thalassemia. Last evaluated: 2026-01-20. Review status: criteria provided, single submitter. Criteria: Natera Variant Classification Schema (03/2026). Collection method: clinical testing. Allele origin: germline.
Comment: The c.45G>A variant in HBA1 is a nonsense variant predicted to introduce a stop codon at amino acid 15. This variant is expected to result in nonsense mediated decay, truncation, or a dysfunctional protein product. This variant is rare in the general population with a frequency below the threshold expected for the associated phenotype(s). Given the available evidence, this variant is classified as Likely Pathogenic.

Fulgent Genetics
Classification: Likely pathogenic for Heinz body anemia; alpha Thalassemia; Hemoglobin H disease; Methemoglobinemia, alpha type; Erythrocytosis, familial, 7. Last evaluated: 2024-06-03. Review status: criteria provided, single submitter. Criteria: ACMG Guidelines, 2015. Collection method: clinical testing. Allele origin: germline.

Genomic Medicine Center of Excellence, King Faisal Specialist Hospital and Research Centre
Classification: Pathogenic for Erythrocytosis, familial, 7. Last evaluated: 2024-03-26. Review status: criteria provided, single submitter. Criteria: ACMG Guidelines, 2015. Collection method: clinical testing. Allele origin: germline.

ARUP Laboratories, Molecular Genetics and Genomics, ARUP Laboratories
Classification: Pathogenic. Last evaluated: 2018-11-05. Review status: criteria provided, single submitter. Criteria: ARUP Molecular Germline Variant Investigation Process. Collection method: clinical testing. Allele origin: germline.
Comment: The HBA1 c.45G>A; Trp14Ter variant is reported in the literature in an individual affected with significant microcytosis that also carried the -3.7 deletion (Chow 2013) and is reported as a thalassemia-associated variant in HbVar (see HbVar link). Additionally, another nonsense variant at this codon, c.44G>A, has been reported in a neonate with elevated Hb Bart's and hematology consistent with microcytic anemia (Harteveld 2003). The c.45G>A; Trp14Ter variant is absent from general population databases (Exome Variant Server, Genome Aggregation Database), indicating it is not a common polymorphism. This variant induces an early termination codon and is predicted to result in a truncated protein or mRNA subject to nonsense-mediated decay. Based on available information, this variant is considered to be pathogenic. References: Link to HbVar for codon 14 G>A (Trp>Stop): Chow A et al. Alpha thalassaemia due to non-deletional mutations on the -3.7 alpha globin fusion gene: laboratory diagnosis and clinical importance. Pathology. 2013 Oct;45(6):591-4. Harteveld CL et al. Molecular spectrum of alpha-thalassemia in the Iranian population of Hormozgan: three novel point mutation defects. Am J Hematol. 2003 Oct;74(2):99-103.

NM_000558.5(HBA1):c.45G>A (p.Trp15Ter)

Genes: HBA1 (hemoglobin subunit alpha 1; plus strand), LOC106804613 (hemoglobin subunit alpha 1 recombination region; plus strand). Cytogenetic location: 16p13.3.
Variant type: single nucleotide variant.
Coding change: c.45G>A on transcript NM_000558.5 (MANE Select); coding-DNA position 45, G replaced by A.
Protein change: p.Trp15Ter; replaces tryptophan 15 with a stop codon.
Molecular consequence: nonsense.
Genome position (GRCh38, 1-based): chr16:176,761, G>A. VCF-style: chr16-176761-G-A. GRCh37 (hg19) VCF-style: chr16-226760-G-A.
Other names: c.45G>A (NM_000558.4); short protein forms W15*.
Identifiers: ClinVar variation 811820 (VCV000811820.11), dbSNP rs1596573335, ClinGen allele CA393994955.